The following is an entry in ClinVar:

ClinVar aggregate classification (germline): Uncertain significance (1 of 4 stars; one submission).

Conditions:
Congenital glucose-galactose malabsorption (GGM). Also called: DIARRHEA 16; MONOSACCHARIDE MALABSORPTION. Identifiers: Orphanet 35710, MedGen C0268186, MONDO:0011731, OMIM 606824.

Submission:

Labcorp Genetics (formerly Invitae), Labcorp
Classification: Uncertain significance for Congenital glucose-galactose malabsorption. Last evaluated: 2024-10-10. Review status: criteria provided, single submitter. Criteria: Invitae Variant Classification Sherloc (09022015). Collection method: clinical testing. Allele origin: germline.
Comment: This sequence change replaces glutamic acid, which is acidic and polar, with lysine, which is basic and polar, at codon 623 of the SLC5A1 protein (p.Glu623Lys). This variant is not present in population databases (gnomAD no frequency). This variant has not been reported in the literature in individuals affected with SLC5A1-related conditions. Invitae Evidence Modeling of protein sequence and biophysical properties (such as structural, functional, and spatial information, amino acid conservation, physicochemical variation, residue mobility, and thermodynamic stability) has been performed for this missense variant. However, the output from this modeling did not meet the statistical confidence thresholds required to predict the impact of this variant on SLC5A1 protein function. In summary, the available evidence is currently insufficient to determine the role of this variant in disease. Therefore, it has been classified as a Variant of Uncertain Significance.

NM_000343.4(SLC5A1):c.1867G>A (p.Glu623Lys)

Gene: SLC5A1 (solute carrier family 5 member 1; plus strand). Cytogenetic location: 22q12.3.
Variant type: single nucleotide variant.
Coding change: c.1867G>A on transcript NM_000343.4 (MANE Select); coding-DNA position 1867, G replaced by A.
Protein change: p.Glu623Lys; replaces glutamic acid 623 with lysine.
Molecular consequence: missense variant.
Genome position (GRCh38, 1-based): chr22:32,110,085, G>A. VCF-style: chr22-32110085-G-A. GRCh37 (hg19) VCF-style: chr22-32506072-G-A.
Other names: c.1486G>A, p.Glu496Lys (NM_001256314.2); short protein forms E496K, E623K.
Identifiers: ClinVar variation 3678340 (VCV003678340.1).